The following is an entry in ClinVar:

ClinVar aggregate classification (germline): Benign. Review status: criteria provided, multiple submitters, no conflicts (2 of 4 stars). 4 submissions from 2 submitters: Benign (4). Last evaluated 2021-07-15.

Conditions:
Arthrogryposis multiplex congenita 3, myogenic type. Also called: ARTHROGRYPOSIS MULTIPLEX CONGENITA, MYOGENIC TYPE. Identifiers: MedGen C5193121, MONDO:0032778, OMIM 618484.
Emery-Dreifuss muscular dystrophy 4, autosomal dominant (EDMD4). Also called: EMERY-DREIFUSS MUSCULAR DYSTROPHY 4 WITH VARIABLE FEATURES. Identifiers: Orphanet 261, MedGen C2751807, MONDO:0013071, OMIM 612998.
Autosomal recessive ataxia, Beauce type. Also called: Spinocerebellar ataxia, autosomal recessive 8; ATAXIA, RECESSIVE, OF BEAUCE; SYNE1-Related Autosomal Recessive Cerebellar Ataxia; SYNE1 Deficiency. Identifiers: Orphanet 88644, MedGen C1853116, MONDO:0012549, OMIM 610743.

Allele frequency attached by ClinVar (database versions not stated): gnomAD exomes 0.80908 and 0.84378; ESP Exome Variant Server 0.83443; ExAC 0.83984; gnomAD 0.85499 and 0.85656; TOPMed 0.85842; 1000 Genomes Project 30x 0.87914; 1000 Genomes Project 0.88478.
gnomAD v4.1: 1,284,808 of 1,578,384 alleles (81%); highest among the groups gnomAD compares: East Asian, 99%; 525,031 homozygotes.

Submissions (4):

Genome-Nilou Lab
Classification: Benign for Arthrogryposis multiplex congenita 3, myogenic type. Last evaluated: 2021-07-15. Review status: criteria provided, single submitter. Criteria: ACMG Guidelines, 2015. Collection method: clinical testing. Allele origin: germline. Affected: no.

Genome-Nilou Lab
Classification: Benign for Emery-Dreifuss muscular dystrophy 4, autosomal dominant. Last evaluated: 2021-07-15. Review status: criteria provided, single submitter. Criteria: ACMG Guidelines, 2015. Collection method: clinical testing. Allele origin: germline. Affected: no.

Genome-Nilou Lab
Classification: Benign for Autosomal recessive ataxia, Beauce type. Last evaluated: 2021-07-15. Review status: criteria provided, single submitter. Criteria: ACMG Guidelines, 2015. Collection method: clinical testing. Allele origin: germline. Affected: no.

GeneDx
Classification: Benign. Last evaluated: 2018-06-14. Review status: criteria provided, single submitter. Criteria: GeneDx Variant Classification (06012015). Collection method: clinical testing. Allele origin: germline. Affected: yes.
Comment: This variant is considered likely benign or benign based on one or more of the following criteria: it is a conservative change, it occurs at a poorly conserved position in the protein, it is predicted to be benign by multiple in silico algorithms, and/or has population frequency not consistent with disease.

NM_182961.4(SYNE1):c.17203-48G>A

Gene: SYNE1 (spectrin repeat containing nuclear envelope protein 1; minus strand). Cytogenetic location: 6q25.2.
Variant type: single nucleotide variant.
Coding change: c.17203-48G>A on transcript NM_182961.4 (MANE Select); 48 bases into the intron before coding-DNA position 17203, G replaced by A.
Molecular consequence: intron variant.
Genome position (GRCh38, 1-based): chr6:152,308,680, C>T on the plus strand (G>A on the coding strand, the complement: SYNE1 is on the minus strand). VCF-style: chr6-152308680-C-T. GRCh37 (hg19) VCF-style: chr6-152629815-C-T.
Other names: c.16990-48G>A (NM_033071.5).
Identifiers: ClinVar variation 670185 (VCV000670185.3), dbSNP rs4112833, ClinGen allele CA4055308.